The following is an entry in ClinVar:

NM_177550.5(SLC13A5):c.253G>A (p.Asp85Asn)

Gene: SLC13A5 (solute carrier family 13 member 5; minus strand). Cytogenetic location: 17p13.1.
Variant type: single nucleotide variant.
Coding change: c.253G>A on transcript NM_177550.5 (MANE Select); coding-DNA position 253, G replaced by A.
Protein change: p.Asp85Asn; replaces aspartic acid 85 with asparagine.
Molecular consequence: missense variant.
Genome position (GRCh38, 1-based): chr17:6,706,757, C>T on the plus strand (G>A on the coding strand, the complement: SLC13A5 is on the minus strand). VCF-style: chr17-6706757-C-T. GRCh37 (hg19) VCF-style: chr17-6610076-C-T.
Other names: c.253G>A, p.Asp85Asn (NM_001143838.3, NM_001284509.2); c.124G>A, p.Asp42Asn (NM_001284510.2); short protein forms D42N, D85N.
Identifiers: ClinVar variation 1489269 (VCV001489269.6), dbSNP rs2151498276, ClinGen allele CA397751106.

ClinVar aggregate classification (germline): Uncertain significance (1 of 4 stars; one submission).

Conditions:
Developmental and epileptic encephalopathy, 25 (DEE25). Also called: Developmental and epileptic encephalopathy 25, with amelogenesis imperfecta; Epileptic encephalopathy, early infantile, 25, with amelogenesis imperfecta; Epileptic encephalopathy, early infantile, 25. Identifiers: Orphanet 442835, MedGen C4014621, MONDO:0014392, OMIM 615905.

gnomAD v4.1: 2 of 1,614,090 alleles (0.00012%); highest among the groups gnomAD compares: Non-Finnish European, 0.00017%; no homozygotes.

Submission:

Labcorp Genetics (formerly Invitae), Labcorp
Classification: Uncertain significance for Developmental and epileptic encephalopathy, 25. Last evaluated: 2021-08-17. Review status: criteria provided, single submitter. Criteria: Invitae Variant Classification Sherloc (09022015). Collection method: clinical testing. Allele origin: germline.
Comment: In summary, the available evidence is currently insufficient to determine the role of this variant in disease. Therefore, it has been classified as a Variant of Uncertain Significance. Algorithms developed to predict the effect of missense changes on protein structure and function are either unavailable or do not agree on the potential impact of this missense change (SIFT: "Deleterious"; PolyPhen-2: "Possibly Damaging"; Align-GVGD: "Class C15"). This variant has not been reported in the literature in individuals affected with SLC13A5-related conditions. This variant is not present in population databases (ExAC no frequency). This sequence change replaces aspartic acid with asparagine at codon 85 of the SLC13A5 protein (p.Asp85Asn). The aspartic acid residue is highly conserved and there is a small physicochemical difference between aspartic acid and asparagine.